The following is an entry in ClinVar:

ClinVar aggregate classification (germline): Likely pathogenic (1 of 4 stars; one submission).

Submission:

Labcorp Genetics (formerly Invitae), Labcorp
Classification: Likely pathogenic. Last evaluated: 2023-05-23. Review status: criteria provided, single submitter. Criteria: Invitae Variant Classification Sherloc (09022015). Collection method: clinical testing. Allele origin: germline.
Comment: ClinVar contains an entry for this variant (Variation ID: 2181336). This sequence change affects an acceptor splice site in intron 4 of the PIGB gene. It is expected to disrupt RNA splicing. Variants that disrupt the donor or acceptor splice site typically lead to a loss of protein function (PMID: 16199547), and loss-of-function variants in PIGB are known to be pathogenic (PMID: 31256876, 34400385). This variant is not present in population databases (gnomAD no frequency). This variant has not been reported in the literature in individuals affected with PIGB-related conditions. Algorithms developed to predict the effect of sequence changes on RNA splicing suggest that this variant may disrupt the consensus splice site. In summary, the currently available evidence indicates that the variant is pathogenic, but additional data are needed to prove that conclusively. Therefore, this variant has been classified as Likely Pathogenic.

Literature cited by the submitters: PubMed 16199547; PubMed 31256876; PubMed 34400385.

NM_004855.5(PIGB):c.523-2A>G

Gene: PIGB (phosphatidylinositol glycan anchor biosynthesis class B; plus strand). Cytogenetic location: 15q21.3.
Variant type: single nucleotide variant.
Coding change: c.523-2A>G on transcript NM_004855.5 (MANE Select); the canonical splice acceptor site of the intron before coding-DNA position 523, A replaced by G.
Molecular consequence: splice acceptor variant.
Genome position (GRCh38, 1-based): chr15:55,329,722, A>G. VCF-style: chr15-55329722-A-G. GRCh37 (hg19) VCF-style: chr15-55621920-A-G.
Identifiers: ClinVar variation 2181336 (VCV002181336.4), dbSNP rs2543089023, ClinGen allele CA392541992.